The following is an entry in ClinVar:

ClinVar aggregate classification (germline): Uncertain significance (1 of 4 stars; one submission).

Submission:

GeneDx
Classification: Uncertain significance. Last evaluated: 2025-05-14. Review status: criteria provided, single submitter. Criteria: GeneDx Variant Classification Process June 2021. Collection method: clinical testing. Allele origin: germline. Affected: yes.
Comment: Not observed at significant frequency in large population cohorts (gnomAD); In silico analysis supports that this missense variant has a deleterious effect on protein structure/function; Has not been previously published as pathogenic or benign to our knowledge

NM_000069.3(CACNA1S):c.4595A>G (p.His1532Arg)

Gene: CACNA1S (calcium voltage-gated channel subunit alpha1 S; minus strand). Cytogenetic location: 1q32.1.
Variant type: single nucleotide variant.
Coding change: c.4595A>G on transcript NM_000069.3 (MANE Select); coding-DNA position 4595, A replaced by G.
Protein change: p.His1532Arg; replaces histidine 1532 with arginine.
Molecular consequence: missense variant.
Genome position (GRCh38, 1-based): chr1:201,047,188, T>C on the plus strand (A>G on the coding strand, the complement: CACNA1S is on the minus strand). VCF-style: chr1-201047188-T-C. GRCh37 (hg19) VCF-style: chr1-201016316-T-C.
Other names: short protein forms H1532R.
Identifiers: ClinVar variation 4529563 (VCV004529563.1).